The following is an entry in ClinVar:

ClinVar aggregate classification (germline): Pathogenic. Review status: criteria provided, multiple submitters, no conflicts (2 of 4 stars). 4 submissions from 4 submitters: Pathogenic (4). Last evaluated 2022-07-13.

Conditions:
COL6A2-related disorder.
Bethlem myopathy 1A. Also called: Bethlem myopathy 1; Bethlem Muscular Dystrophy; MYOPATHY, BENIGN CONGENITAL, WITH CONTRACTURES. Identifiers: Orphanet 610, MedGen CN029274, MONDO:0024530, OMIM 158810.
Inborn genetic diseases. Identifiers: MedGen C0950123, MeSH D030342.

Submissions (4):

Clinical Genetics Laboratory, Skane University Hospital Lund
Classification: Pathogenic. Last evaluated: 2022-07-13. Review status: criteria provided, single submitter. Criteria: ACMG Guidelines, 2015. Collection method: clinical testing. Allele origin: germline. Affected: yes.

Labcorp Genetics (formerly Invitae), Labcorp
Classification: Pathogenic for Bethlem myopathy 1A. Last evaluated: 2022-05-08. Review status: criteria provided, single submitter. Criteria: Invitae Variant Classification Sherloc (09022015). Collection method: clinical testing. Allele origin: germline.
Comment: This sequence change replaces glycine, which is neutral and non-polar, with aspartic acid, which is acidic and polar, at codon 301 of the COL6A2 protein (p.Gly301Asp). This variant is not present in population databases (gnomAD no frequency). This missense change has been observed in individual(s) with clinical features of autosomal dominant COL6A2-related conditions (PMID: 17785673, 24271325). In at least one individual the variant was observed to be de novo. ClinVar contains an entry for this variant (Variation ID: 521397). Algorithms developed to predict the effect of missense changes on protein structure and function (SIFT, PolyPhen-2, Align-GVGD) all suggest that this variant is likely to be disruptive. This variant disrupts the triple helix domain of COL6A2. Glycine residues within the Gly-Xaa-Yaa repeats of the triple helix domain are required for the structure and stability of fibrillar collagens (PMID: 7695699, 8218237, 19344236). In COL6A2, missense variants at these glycine residues are significantly enriched in individuals with autosomal dominant disease (PMID: 15689448, 24038877) compared to the general population (ExAC). This variant disrupts the p.Gly301 amino acid residue in COL6A2. Other variant(s) that disrupt this residue have been observed in individuals with COL6A2-related conditions (PMID: 17785673, 24271325), which suggests that this may be a clinically significant amino acid residue. For these reasons, this variant has been classified as Pathogenic.

Blueprint Genetics
Classification: Pathogenic for COL6A2-related disorders. Last evaluated: 2021-01-25. Review status: criteria provided, single submitter. Criteria: ACMG Guidelines, 2015. Collection method: clinical testing. Allele origin: germline. Affected: yes. Observed: 2 variant alleles.

Ambry Genetics
Classification: Pathogenic for Inborn genetic diseases. Last evaluated: 2016-11-14. Review status: criteria provided, single submitter. Criteria: Ambry exome assertion method (8-5-2015). Collection method: clinical testing. Allele origin: germline. Affected: yes. Observed: 1 variant allele.

Literature cited by the submitters: PubMed 17785673 (cited by Labcorp Genetics (formerly Invitae), Labcorp and Ambry Genetics); PubMed 24271325 (cited by Labcorp Genetics (formerly Invitae), Labcorp and Ambry Genetics); PubMed 7695699 (cited by Labcorp Genetics (formerly Invitae), Labcorp); PubMed 8218237 (cited by Labcorp Genetics (formerly Invitae), Labcorp); PubMed 19344236 (cited by Labcorp Genetics (formerly Invitae), Labcorp); PubMed 15689448 (cited by Labcorp Genetics (formerly Invitae), Labcorp); PubMed 24038877 (cited by Labcorp Genetics (formerly Invitae), Labcorp); PubMed 20976770 (cited by Ambry Genetics).

NM_001849.4(COL6A2):c.902G>A (p.Gly301Asp)

Gene: COL6A2 (collagen type VI alpha 2 chain; plus strand). Cytogenetic location: 21q22.3.
Variant type: single nucleotide variant.
Coding change: c.902G>A on transcript NM_001849.4 (MANE Select); coding-DNA position 902, G replaced by A.
Protein change: p.Gly301Asp; replaces glycine 301 with aspartic acid.
Molecular consequence: missense variant.
Genome position (GRCh38, 1-based): chr21:46,116,378, G>A. VCF-style: chr21-46116378-G-A. GRCh37 (hg19) VCF-style: chr21-47536292-G-A.
Other names: c.902G>A, p.Gly301Asp (NM_058174.3, NM_058175.3); short protein forms G301D.
Identifiers: ClinVar variation 521397 (VCV000521397.11), dbSNP rs1555872965, ClinGen allele CA410525581.